The following is an entry in ClinVar:

NM_000243.3(MEFV):c.1525C>G (p.Leu509Val)

Gene: MEFV (MEFV innate immunity regulator, pyrin; minus strand). Cytogenetic location: 16p13.3.
Variant type: single nucleotide variant.
Coding change: c.1525C>G on transcript NM_000243.3 (MANE Select); coding-DNA position 1525, C replaced by G.
Protein change: p.Leu509Val; replaces leucine 509 with valine.
Molecular consequence: missense variant.
Genome position (GRCh38, 1-based): chr16:3,247,078, G>C on the plus strand (C>G on the coding strand, the complement: MEFV is on the minus strand). VCF-style: chr16-3247078-G-C. GRCh37 (hg19) VCF-style: chr16-3297078-G-C.
Other names: c.892C>G, p.Leu298Val (NM_001198536.2); short protein forms L298V, L509V.
Identifiers: ClinVar variation 4985041 (VCV004985041.1).

ClinVar aggregate classification (germline): Uncertain significance (1 of 4 stars; one submission).

Conditions:
MEFV-related disorder. Also called: MEFV-related disorders; MEFV-related condition.

gnomAD v4.1: 1 of 1,614,188 alleles (0.000062%); no homozygotes.

Submission:

PreventionGenetics, part of Exact Sciences
Classification: Uncertain significance for MEFV-related condition. Last evaluated: 2025-03-04. Review status: criteria provided, single submitter. Criteria: ACMG Guidelines, 2015. Collection method: clinical testing. Allele origin: germline.
Comment: The MEFV c.1525C>G variant is predicted to result in the amino acid substitution p.Leu509Val. To our knowledge, this variant has not been reported in the literature or in a large population database (gnomAD), indicating this variant is rare. At this time, the clinical significance of this variant is uncertain due to the absence of conclusive functional and genetic evidence.